The following is an entry in ClinVar:

ClinVar aggregate classification (germline): Uncertain significance. Review status: criteria provided, multiple submitters, no conflicts (2 of 4 stars). 3 submissions from 3 submitters: Uncertain significance (3). Last evaluated 2024-01-18.

Conditions:
Familial thoracic aortic aneurysm and aortic dissection (TAAD). Also called: Thoracic aortic aneurysms and dissections. Identifiers: Orphanet 91387, MedGen C4707243, MONDO:0019625.
Congenital contractural arachnodactyly (CCA). Also called: Beals-Hecht syndrome; BEALS SYNDROME; Arthrogryposis, distal, type 9. Identifiers: Orphanet 115, MedGen C0220668, MONDO:0007363, OMIM 121050.

gnomAD v4.1: 4 of 1,614,222 alleles (0.00025%); highest among the groups gnomAD compares: Non-Finnish European, 0.00034%; no homozygotes.

Submissions (3):

Labcorp Genetics (formerly Invitae), Labcorp
Classification: Uncertain significance for Congenital contractural arachnodactyly. Last evaluated: 2024-01-18. Review status: criteria provided, single submitter. Criteria: Invitae Variant Classification Sherloc (09022015). Collection method: clinical testing. Allele origin: germline.
Comment: This sequence change replaces lysine, which is basic and polar, with asparagine, which is neutral and polar, at codon 1019 of the FBN2 protein (p.Lys1019Asn). This variant is not present in population databases (gnomAD no frequency). This variant has not been reported in the literature in individuals affected with FBN2-related conditions. ClinVar contains an entry for this variant (Variation ID: 213296). Advanced modeling of protein sequence and biophysical properties (such as structural, functional, and spatial information, amino acid conservation, physicochemical variation, residue mobility, and thermodynamic stability) performed at Invitae indicates that this missense variant is not expected to disrupt FBN2 protein function with a negative predictive value of 80%. In summary, the available evidence is currently insufficient to determine the role of this variant in disease. Therefore, it has been classified as a Variant of Uncertain Significance.

Ambry Genetics
Classification: Uncertain significance for Familial thoracic aortic aneurysm and aortic dissection. Last evaluated: 2020-11-23. Review status: criteria provided, single submitter. Criteria: Ambry Variant Classification Scheme 2023. Collection method: clinical testing. Allele origin: germline.
Comment: The p.K1019N variant (also known as c.3057G>C), located in coding exon 24 of the FBN2 gene, results from a G to C substitution at nucleotide position 3057. The lysine at codon 1019 is replaced by asparagine, an amino acid with similar properties. This amino acid position is not well conserved in available vertebrate species. In addition, this alteration is predicted to be tolerated by in silico analysis. Since supporting evidence is limited at this time, the clinical significance of this alteration remains unclear.

GeneDx
Classification: Uncertain significance. Last evaluated: 2018-07-13. Review status: criteria provided, single submitter. Criteria: GeneDx Variant Classification (06012015). Collection method: clinical testing. Allele origin: germline. Affected: yes.
Comment: p.Lys1019Asn (AAG>AAC): c.3057 G>C in exon 24 of the FBN2 gene (NM_001999.3) The K1019N variant has not been published as a mutation, nor has it been reported as a benign polymorphism to our knowledge. The K1019N variant was not observed in approximately 6,500 individuals of European and African American ancestry in the NHLBI Exome Sequencing Project, indicating it is not a common benign variant in these populations. The K1019N variant is a semi-conservative amino acid substitution, which may impact secondary protein structure as these residues differ in some properties. This substitution occurs at a position that is class conserved across species and in silico analysis predicts this variant is probably damaging to the protein structure/function. However, missense mutations in nearby residues have not been reported, indicating this region of the protein may be tolerant of change.Therefore, based on the currently available information, it is unclear whether this variant is a pathogenic mutation or a rare benign variant. This variant was found in TAADV2-1

NM_001999.4(FBN2):c.3057G>C (p.Lys1019Asn)

Genes: FBN2 (fibrillin 2; minus strand), LOC126807501 (BRD4-independent group 4 enhancer GRCh37_chr5:127680731-127681930; plus strand). Cytogenetic location: 5q23.3.
Variant type: single nucleotide variant.
Coding change: c.3057G>C on transcript NM_001999.4 (MANE Select); coding-DNA position 3057, G replaced by C.
Protein change: p.Lys1019Asn; replaces lysine 1019 with asparagine.
Molecular consequence: missense variant.
Genome position (GRCh38, 1-based): chr5:128,345,517, C>G on the plus strand (G>C on the coding strand, the complement: FBN2 is on the minus strand). VCF-style: chr5-128345517-C-G. GRCh37 (hg19) VCF-style: chr5-127681209-C-G.
Other names: short protein forms K1019N.
Identifiers: ClinVar variation 213296 (VCV000213296.10), dbSNP rs863223561, ClinGen allele CA321983.
Genomic context (GRCh38, chr5:128,345,517, plus strand): 5'-CTCCTCACACTCGGTGCCCCAAGCCGCCCCGACAGCACAGCAGCAGGCATCCATGCGGAA[C>G]TTTCCAGGAACGGGGTGGATGCATTCATCTTCATCCCACTTCAAGTAACACTGCTCCATG-3'
Protein context (NP_001990.2, residues 1009-1029): EDECIHPVPG[Lys1019Asn]FRMDACCCAV